The following is an entry in ClinVar:

NM_000059.4(BRCA2):c.3908_3909delinsAA (p.Gly1303Glu)

Gene: BRCA2 (BRCA2 DNA repair associated; plus strand). Cytogenetic location: 13q13.1.
Variant type: Indel.
Coding change: c.3908_3909delinsAA on transcript NM_000059.4 (MANE Select); coding-DNA positions 3908 to 3909, GC replaced by AA.
Protein change: p.Gly1303Glu; replaces glycine 1303 with glutamic acid.
Molecular consequence: missense variant. On other transcripts: non-coding transcript variant (1), intron variant (2).
Genome position (GRCh38, 1-based): chr13:32,338,263-32,338,264, GC replaced by AA. VCF-style: chr13-32338263-GC-AA. GRCh37 (hg19) VCF-style: chr13-32912400-GC-AA.
Other names: c.3908_3909delinsAA, p.Gly1303Glu (NM_001406719.1, NM_001406720.1); c.1909+4876_1909+4877delinsAA (NM_001406721.1); c.425-6295_425-6294delinsAA (NM_001406722.1); short protein forms G1303E.
Identifiers: ClinVar variation 2827951 (VCV002827951.3), dbSNP rs2548527172, ClinGen allele CA2739277537.
Genomic context (GRCh38, chr13:32,338,263, plus strand): 5'-TAAGTGAAAAAAATAATAAATGCCAACTGATATTACAAAATAATATTGAAATGACTACTG[GC>AA]ACTTTTGTTGAAGAAATTACTGAAAATTACAAGAGAAATACTGAAAATGAAGATAACAAA-3'
Protein context (NP_000050.3, residues 1293-1313): ILQNNIEMTT[Gly1303Glu]TFVEEITENY

ClinVar aggregate classification (germline): Uncertain significance (1 of 4 stars; one submission).

Conditions:
Hereditary breast ovarian cancer syndrome. Also called: Hereditary breast and ovarian cancer; BRCA1- and BRCA2-Associated Hereditary Breast and Ovarian Cancer; Hereditary breast and ovarian cancer syndrome; Hereditary breast and ovarian cancer syndrome (HBOC); Breast and ovarian cancer; Hereditary breast and/or ovarian cancer syndrome. Identifiers: Orphanet 145, MedGen C0677776, MeSH D061325, MONDO:0003582. Disease mechanism: loss of function.

Submission:

Labcorp Genetics (formerly Invitae), Labcorp
Classification: Uncertain significance for Hereditary breast ovarian cancer syndrome. Last evaluated: 2023-01-12. Review status: criteria provided, single submitter. Criteria: Invitae Variant Classification Sherloc (09022015). Collection method: clinical testing. Allele origin: germline.
Comment: In summary, the available evidence is currently insufficient to determine the role of this variant in disease. Therefore, it has been classified as a Variant of Uncertain Significance. Algorithms developed to predict the effect of missense changes on protein structure and function are either unavailable or do not agree on the potential impact of this missense change (SIFT: "Not Available"; PolyPhen-2: "Possibly Damaging"; Align-GVGD: "Not Available"). This variant has not been reported in the literature in individuals affected with BRCA2-related conditions. Information on the frequency of this variant in the gnomAD database is not available, as this variant may be reported differently in the database. This sequence change replaces glycine, which is neutral and non-polar, with glutamic acid, which is acidic and polar, at codon 1303 of the BRCA2 protein (p.Gly1303Glu).